The following is an entry in ClinVar:

NM_024675.4(PALB2):c.1885T>C (p.Ser629Pro)

Gene: PALB2 (partner and localizer of BRCA2; minus strand). Cytogenetic location: 16p12.2.
Variant type: single nucleotide variant.
Coding change: c.1885T>C on transcript NM_024675.4 (MANE Select); coding-DNA position 1885, T replaced by C.
Protein change: p.Ser629Pro; replaces serine 629 with proline.
Molecular consequence: missense variant.
Genome position (GRCh38, 1-based): chr16:23,630,269, A>G on the plus strand (T>C on the coding strand, the complement: PALB2 is on the minus strand). VCF-style: chr16-23630269-A-G. GRCh37 (hg19) VCF-style: chr16-23641590-A-G.
Other names: short protein forms S629P.
Identifiers: ClinVar variation 567009 (VCV000567009.13), dbSNP rs1567218578, ClinGen allele CA395127634.

ClinVar aggregate classification (germline): Uncertain significance. Review status: criteria provided, multiple submitters, no conflicts (2 of 4 stars). 2 submissions from 2 submitters: Uncertain significance (2). Last evaluated 2024-04-10.

Conditions:
Hereditary cancer-predisposing syndrome. Also called: Neoplastic Syndromes, Hereditary; Tumor predisposition; Hereditary neoplastic syndrome; Hereditary Cancer Syndrome. Identifiers: Orphanet 140162, MedGen C0027672, MeSH D009386, MONDO:0015356.
Familial cancer of breast. Also called: BREAST CANCER, FAMILIAL; Hereditary breast cancer; hereditary breast carcinoma. Identifiers: Orphanet 227535, MedGen C0346153, MONDO:0016419, OMIM 114480. Disease mechanism: loss of function.

Allele frequency attached by ClinVar (database versions not stated): TOPMed below 0.00001; gnomAD 0.00001.
gnomAD v4.1: 1 of 1,613,922 alleles (0.000062%); highest among the groups gnomAD compares: African/African-American, 0.0013%; no homozygotes.

Submissions (2):

Ambry Genetics
Classification: Uncertain significance for Hereditary cancer-predisposing syndrome. Last evaluated: 2024-04-10. Review status: criteria provided, single submitter. Criteria: Ambry Variant Classification Scheme 2023. Collection method: clinical testing. Allele origin: germline.
Comment: The p.S629P variant (also known as c.1885T>C), located in coding exon 5 of the PALB2 gene, results from a T to C substitution at nucleotide position 1885. The serine at codon 629 is replaced by proline, an amino acid with similar properties. This amino acid position is not well conserved in available vertebrate species. In addition, this alteration is predicted to be tolerated by in silico analysis. Since supporting evidence is limited at this time, the clinical significance of this alteration remains unclear.

Labcorp Genetics (formerly Invitae), Labcorp
Classification: Uncertain significance for Familial cancer of breast. Last evaluated: 2024-02-26. Review status: criteria provided, single submitter. Criteria: Invitae Variant Classification Sherloc (09022015). Collection method: clinical testing. Allele origin: germline.
Comment: This sequence change replaces serine, which is neutral and polar, with proline, which is neutral and non-polar, at codon 629 of the PALB2 protein (p.Ser629Pro). This variant is not present in population databases (gnomAD no frequency). This variant has not been reported in the literature in individuals affected with PALB2-related conditions. ClinVar contains an entry for this variant (Variation ID: 567009). Advanced modeling of protein sequence and biophysical properties (such as structural, functional, and spatial information, amino acid conservation, physicochemical variation, residue mobility, and thermodynamic stability) has been performed at Invitae for this missense variant, however the output from this modeling did not meet the statistical confidence thresholds required to predict the impact of this variant on PALB2 protein function. In summary, the available evidence is currently insufficient to determine the role of this variant in disease. Therefore, it has been classified as a Variant of Uncertain Significance.